The following is an entry in ClinVar:

NM_004415.4(DSP):c.4407_4423del (p.Asp1470fs)

Gene: DSP (desmoplakin; plus strand). Cytogenetic location: 6p24.3.
Variant type: Deletion.
Coding change: c.4407_4423del on transcript NM_004415.4 (MANE Select); coding-DNA positions 4407 to 4423, 17 bases deleted (TGATGATGCTGCCAAAA).
Protein change: p.Asp1470fs; shifts the reading frame from aspartic acid 1470.
Molecular consequence: frameshift variant. On other transcripts: intron variant (2).
Genome position (GRCh38, 1-based): chr6:7,580,597-7,580,613, TGATGATGCTGCCAAAA deleted. VCF-style (leftmost placement, unchanged base first): chr6-7580596-TTGATGATGCTGCCAAAA-T. GRCh37 (hg19) VCF-style: chr6-7580829-TTGATGATGCTGCCAAAA-T.
Other names: c.4050+357_4050+373del (NM_001319034.2); c.3582+825_3582+841del (NM_001008844.3); short protein forms D1470fs.
Identifiers: ClinVar variation 3382021 (VCV003382021.3).

ClinVar aggregate classification (germline): Likely pathogenic (1 of 4 stars; one submission).

Conditions:
Arrhythmogenic right ventricular dysplasia 8 (ARVD8). Also called: ARRHYTHMOGENIC RIGHT VENTRICULAR DYSPLASIA, FAMILIAL, 8; ARRHYTHMOGENIC RIGHT VENTRICULAR CARDIOMYOPATHY 8; Arrhythmogenic Right Ventricular Dysplasia/Cardiomyopathy 8. Identifiers: MedGen C1843896, MONDO:0011831, OMIM 607450.
Arrhythmogenic cardiomyopathy with wooly hair and keratoderma. Also called: Dilated cardiomyopathy with woolly hair and keratoderma; PALMOPLANTAR KERATODERMA WITH LEFT VENTRICULAR CARDIOMYOPATHY AND WOOLLY HAIR; Carvajal syndrome; Arrhythmogenic cardiomyopathy with woolly hair and keratoderma. Identifiers: Orphanet 65282, MedGen C1854063, MONDO:0011581, OMIM 605676.
Cardiomyopathy, dilated, with wooly hair, keratoderma, and tooth agenesis. Also called: Cardiomyopathy, dilated, with woolly hair, keratoderma, and tooth agenesis; Erythrokeratodermia-cardiomyopathy syndrome. Identifiers: Orphanet 476096, Orphanet 65282, MedGen C4014393, MONDO:0014355, OMIM 615821.
Keratosis palmoplantaris striata 2. Also called: Keratosis palmoplantaris striata II; KERATODERMA, PALMOPLANTAR, STRIATE FORM II; STRIATE PALMOPLANTAR KERATODERMA II. Identifiers: MedGen C1852127, MONDO:0013034, OMIM 612908.
Lethal acantholytic epidermolysis bullosa (EBLA). Identifiers: Orphanet 158687, MedGen C1864826, MONDO:0012323, OMIM 609638.

Submission:

Juno Genomics, Hangzhou Juno Genomics, Inc
Classification: Likely pathogenic for Arrhythmogenic right ventricular dysplasia 8; Arrhythmogenic cardiomyopathy with wooly hair and keratoderma; Cardiomyopathy, dilated, with wooly hair, keratoderma, and tooth agenesis; Lethal acantholytic epidermolysis bullosa; Keratosis palmoplantaris striata 2. Review status: criteria provided, single submitter. Criteria: ACMG Guidelines, 2015. Collection method: clinical testing. Allele origin: germline.
Comment: Absent from controls (or at extremely low frequency if recessive) in Genome Aggregation Database.;Null variant in a gene where loss of function (LOF) is a known mechanism of disease.